The following is an entry in ClinVar:

NM_001164665.2(KIAA1549):c.730C>G (p.Pro244Ala)

Gene: KIAA1549 (KIAA1549; minus strand). Cytogenetic location: 7q34.
Variant type: single nucleotide variant.
Coding change: c.730C>G on transcript NM_001164665.2 (MANE Select); coding-DNA position 730, C replaced by G.
Protein change: p.Pro244Ala; replaces proline 244 with alanine.
Molecular consequence: missense variant.
Genome position (GRCh38, 1-based): chr7:138,918,896, G>C on the plus strand (C>G on the coding strand, the complement: KIAA1549 is on the minus strand). VCF-style: chr7-138918896-G-C. GRCh37 (hg19) VCF-style: chr7-138603642-G-C.
Other names: c.730C>G, p.Pro244Ala (NM_020910.3); c.730C>G (NM_001164665.1); short protein forms P244A.
Identifiers: ClinVar variation 1359578 (VCV001359578.9), dbSNP rs759573104, ClinGen allele CA4506878.

ClinVar aggregate classification (germline): Uncertain significance. Review status: criteria provided, multiple submitters, no conflicts (2 of 4 stars). 2 submissions from 2 submitters: Uncertain significance (2). Last evaluated 2025-05-20.

Conditions:
Inborn genetic diseases. Identifiers: MedGen C0950123, MeSH D030342.

Allele frequency attached by ClinVar (database versions not stated): ExAC 0.00002; gnomAD exomes 0.00002; TOPMed 0.00002; gnomAD 0.00003.
gnomAD v4.1: 9 of 1,613,902 alleles (0.00056%); highest among the groups gnomAD compares: African/African-American, 0.011%; no homozygotes.

Submissions (2):

Ambry Genetics
Classification: Uncertain significance for Inborn genetic diseases. Last evaluated: 2025-05-20. Review status: criteria provided, single submitter. Criteria: Ambry Variant Classification Scheme 2023. Collection method: clinical testing. Allele origin: germline.

Labcorp Genetics (formerly Invitae), Labcorp
Classification: Uncertain significance. Last evaluated: 2022-09-06. Review status: criteria provided, single submitter. Criteria: Invitae Variant Classification Sherloc (09022015). Collection method: clinical testing. Allele origin: germline.
Comment: This variant is present in population databases (rs759573104, gnomAD 0.03%). This sequence change replaces proline, which is neutral and non-polar, with alanine, which is neutral and non-polar, at codon 244 of the KIAA1549 protein (p.Pro244Ala). This variant has not been reported in the literature in individuals affected with KIAA1549-related conditions. ClinVar contains an entry for this variant (Variation ID: 1359578). Algorithms developed to predict the effect of missense changes on protein structure and function are either unavailable or do not agree on the potential impact of this missense change (SIFT: "Deleterious"; PolyPhen-2: "Benign"; Align-GVGD: "Class C0"). In summary, the available evidence is currently insufficient to determine the role of this variant in disease. Therefore, it has been classified as a Variant of Uncertain Significance.